The following is an entry in ClinVar:

ClinVar aggregate classification (germline): Uncertain significance (1 of 4 stars; one submission).

Conditions:
Cardiovascular phenotype. Identifiers: MedGen CN230736.

Submission:

Ambry Genetics
Classification: Uncertain significance for Cardiovascular phenotype. Last evaluated: 2024-11-25. Review status: criteria provided, single submitter. Criteria: Ambry Variant Classification Scheme 2023. Collection method: clinical testing. Allele origin: germline.
Comment: The p.A825E variant (also known as c.2474C>A), located in coding exon 20 of the ABCC9 gene, results from a C to A substitution at nucleotide position 2474. The alanine at codon 825 is replaced by glutamic acid, an amino acid with dissimilar properties. This amino acid position is highly conserved in available vertebrate species. In addition, this alteration is predicted to be deleterious by in silico analysis. Based on the available evidence, the clinical significance of this variant remains unclear.

NM_020297.4(ABCC9):c.2474C>A (p.Ala825Glu)

Gene: ABCC9 (ATP binding cassette subfamily C member 9; minus strand). Cytogenetic location: 12p12.1.
Variant type: single nucleotide variant.
Coding change: c.2474C>A on transcript NM_020297.4 (MANE Select); coding-DNA position 2474, C replaced by A.
Protein change: p.Ala825Glu; replaces alanine 825 with glutamic acid.
Molecular consequence: missense variant.
Genome position (GRCh38, 1-based): chr12:21,859,617, G>T on the plus strand (C>A on the coding strand, the complement: ABCC9 is on the minus strand). VCF-style: chr12-21859617-G-T. GRCh37 (hg19) VCF-style: chr12-22012551-G-T.
Other names: c.2474C>A, p.Ala825Glu (NM_001377273.1, NM_005691.4); c.1607C>A, p.Ala536Glu (NM_001377274.1); short protein forms A536E, A825E.
Identifiers: ClinVar variation 1791817 (VCV001791817.3), dbSNP rs964127282, ClinGen allele CA384126870.